The following is an entry in ClinVar:

NM_001291415.2(KDM6A):c.377A>C (p.Tyr126Ser)

Gene: KDM6A (lysine demethylase 6A; plus strand). Cytogenetic location: Xp11.3.
Variant type: single nucleotide variant.
Coding change: c.377A>C on transcript NM_001291415.2 (MANE Select); coding-DNA position 377, A replaced by C.
Protein change: p.Tyr126Ser; replaces tyrosine 126 with serine.
Molecular consequence: missense variant. On other transcripts: 5 prime UTR variant (1), non-coding transcript variant (1).
Genome position (GRCh38, 1-based): chrX:44,974,708, A>C. VCF-style: chrX-44974708-A-C. GRCh37 (hg19) VCF-style: chrX-44833953-A-C.
Other names: c.377A>C, p.Tyr126Ser (NM_001291416.2, NM_001291417.2, NM_001291418.2 and 9 more transcripts); c.-256A>C (NM_001291421.2); short protein forms Y126S.
Identifiers: ClinVar variation 3658485 (VCV003658485.2).

ClinVar aggregate classification (germline): Uncertain significance (1 of 4 stars; one submission).

Conditions:
Kabuki syndrome 2 (KABUK2). Also called: KDM6A-Related Kabuki Syndrome. Identifiers: Orphanet 2322, MedGen C3275495, MONDO:0010465, OMIM 300867.

Submission:

Labcorp Genetics (formerly Invitae), Labcorp
Classification: Uncertain significance for Kabuki syndrome 2. Last evaluated: 2024-07-02. Review status: criteria provided, single submitter. Criteria: Invitae Variant Classification Sherloc (09022015). Collection method: clinical testing. Allele origin: germline.
Comment: This sequence change replaces tyrosine, which is neutral and polar, with serine, which is neutral and polar, at codon 126 of the KDM6A protein (p.Tyr126Ser). This variant is not present in population databases (gnomAD no frequency). This variant has not been reported in the literature in individuals affected with KDM6A-related conditions. Advanced modeling of protein sequence and biophysical properties (such as structural, functional, and spatial information, amino acid conservation, physicochemical variation, residue mobility, and thermodynamic stability) has been performed at Invitae for this missense variant, however the output from this modeling did not meet the statistical confidence thresholds required to predict the impact of this variant on KDM6A protein function. In summary, the available evidence is currently insufficient to determine the role of this variant in disease. Therefore, it has been classified as a Variant of Uncertain Significance.